The following is an entry in ClinVar:

NM_014679.5(CEP57):c.502C>A (p.Gln168Lys)

Gene: CEP57 (centrosomal protein 57; plus strand). Cytogenetic location: 11q21.
Variant type: single nucleotide variant.
Coding change: c.502C>A on transcript NM_014679.5 (MANE Select); coding-DNA position 502, C replaced by A.
Protein change: p.Gln168Lys; replaces glutamine 168 with lysine.
Molecular consequence: missense variant.
Genome position (GRCh38, 1-based): chr11:95,813,587, C>A. VCF-style: chr11-95813587-C-A. GRCh37 (hg19) VCF-style: chr11-95546751-C-A.
Other names: c.475C>A, p.Gln159Lys (NM_001243776.2); c.502C>A, p.Gln168Lys (NM_001243777.2); c.421C>A, p.Gln141Lys (NM_001363604.2); c.502C>A (NM_014679.4); short protein forms Q159K, Q168K, Q141K.
Identifiers: ClinVar variation 1408573 (VCV001408573.9), dbSNP rs1241266950, ClinGen allele CA382422363.

ClinVar aggregate classification (germline): Uncertain significance. Review status: criteria provided, multiple submitters, no conflicts (2 of 4 stars). 2 submissions from 2 submitters: Uncertain significance (2). Last evaluated 2025-02-08.

Conditions:
Inborn genetic diseases. Identifiers: MedGen C0950123, MeSH D030342.
Mosaic variegated aneuploidy syndrome 2 (MVA2). Identifiers: Orphanet 1052, MedGen C3279843, MONDO:0013582, OMIM 614114.

Allele frequency attached by ClinVar (database versions not stated): gnomAD exomes below 0.00001; TOPMed below 0.00001.
gnomAD v4.1: 4 of 1,612,648 alleles (0.00025%); highest among the groups gnomAD compares: East Asian, 0.0089%; no homozygotes.

Submissions (2):

Ambry Genetics
Classification: Uncertain significance for Inborn genetic diseases. Last evaluated: 2025-02-08. Review status: criteria provided, single submitter. Criteria: Ambry Variant Classification Scheme 2023. Collection method: clinical testing. Allele origin: germline.
Comment: The p.Q168K variant (also known as c.502C>A), located in coding exon 4 of the CEP57 gene, results from a C to A substitution at nucleotide position 502. The glutamine at codon 168 is replaced by lysine, an amino acid with similar properties. This amino acid position is conserved. In addition, this alteration is predicted to be tolerated by in silico analysis. Based on the available evidence, the clinical significance of this variant remains unclear.

Labcorp Genetics (formerly Invitae), Labcorp
Classification: Uncertain significance for Mosaic variegated aneuploidy syndrome 2. Last evaluated: 2024-05-06. Review status: criteria provided, single submitter. Criteria: Invitae Variant Classification Sherloc (09022015). Collection method: clinical testing. Allele origin: germline.
Comment: This sequence change replaces glutamine, which is neutral and polar, with lysine, which is basic and polar, at codon 168 of the CEP57 protein (p.Gln168Lys). This variant is not present in population databases (gnomAD no frequency). This variant has not been reported in the literature in individuals affected with CEP57-related conditions. ClinVar contains an entry for this variant (Variation ID: 1408573). An algorithm developed to predict the effect of missense changes on protein structure and function (PolyPhen-2) suggests that this variant is likely to be disruptive. In summary, the available evidence is currently insufficient to determine the role of this variant in disease. Therefore, it has been classified as a Variant of Uncertain Significance.